The following is an entry in ClinVar:

ClinVar aggregate classification (germline): Uncertain significance (1 of 4 stars; one submission).

Conditions:
Autoimmune lymphoproliferative syndrome type 1. Also called: AUTOIMMUNE LYMPHOPROLIFERATIVE SYNDROME, TYPE I, AUTOSOMAL DOMINANT. Identifiers: Orphanet 3261, MedGen C2717884, MONDO:0011158, OMIM 601859.

Allele frequency attached by ClinVar (database versions not stated): ExAC 0.00002; gnomAD exomes 0.00001.

Submission:

Labcorp Genetics (formerly Invitae), Labcorp
Classification: Uncertain significance for Autoimmune lymphoproliferative syndrome. Last evaluated: 2023-06-23. Review status: criteria provided, single submitter. Criteria: Invitae Variant Classification Sherloc (09022015). Collection method: clinical testing. Allele origin: germline.
Comment: In summary, the available evidence is currently insufficient to determine the role of this variant in disease. Therefore, it has been classified as a Variant of Uncertain Significance. Algorithms developed to predict the effect of missense changes on protein structure and function output the following: SIFT: "Not Available"; PolyPhen-2: "Benign"; Align-GVGD: "Not Available". The leucine amino acid residue is found in multiple mammalian species, which suggests that this missense change does not adversely affect protein function. This variant has not been reported in the literature in individuals affected with FAS-related conditions. This variant is present in population databases (rs754339875, gnomAD 0.01%). This sequence change replaces serine, which is neutral and polar, with leucine, which is neutral and non-polar, at codon 19 of the FAS protein (p.Ser19Leu).

NM_000043.6(FAS):c.56C>T (p.Ser19Leu)

Gene: FAS (Fas cell surface death receptor; plus strand). Cytogenetic location: 10q23.31.
Variant type: single nucleotide variant.
Coding change: c.56C>T on transcript NM_000043.6 (MANE Select); coding-DNA position 56, C replaced by T.
Protein change: p.Ser19Leu; replaces serine 19 with leucine.
Molecular consequence: missense variant. On other transcripts: non-coding transcript variant (7).
Genome position (GRCh38, 1-based): chr10:89,003,054, C>T. VCF-style: chr10-89003054-C-T. GRCh37 (hg19) VCF-style: chr10-90762811-C-T.
Other names: c.56C>T, p.Ser19Leu (NM_001320619.2, NM_152871.4, NM_152872.4); c.101C>T, p.Ser34Leu (NM_001410956.1); short protein forms S19L, S34L.
Identifiers: ClinVar variation 2787069 (VCV002787069.3), dbSNP rs754339875, ClinGen allele CA5593024.